The following is an entry in ClinVar:

ClinVar aggregate classification (germline): Likely benign. Review status: criteria provided, multiple submitters, no conflicts (2 of 4 stars). 2 submissions from 2 submitters: Likely benign (2). Last evaluated 2025-03-11.

Conditions:
Arrhythmogenic right ventricular dysplasia 10. Also called: ARRHYTHMOGENIC RIGHT VENTRICULAR DYSPLASIA, FAMILIAL, 10; Arrhythmogenic Right Ventricular Dysplasia/Cardiomyopathy10; Arrhythmogenic right ventricular dysplasia/cardiomyopathy, type 10. Identifiers: MedGen C1857777, MONDO:0012434, OMIM 610193.
Arrhythmogenic right ventricular cardiomyopathy (ARVD). Also called: Arrhythmogenic right ventricular dysplasia; Cardiomyopathy, ARVC; Arrhythmogenic cardiomyopathy; Arrhythmogenic Right Ventricular Cardiomyopathy (ARVC). Identifiers: Orphanet 247, MedGen C0349788, MeSH D019571, MONDO:0016587. Disease mechanism: loss of function. Inheritance: Various modes of inheritance.

Submissions (2):

Labcorp Genetics (formerly Invitae), Labcorp
Classification: Likely benign for Arrhythmogenic right ventricular dysplasia 10. Last evaluated: 2025-03-11. Review status: criteria provided, single submitter. Criteria: Invitae Variant Classification Sherloc (09022015). Collection method: clinical testing. Allele origin: germline.

All of Us Research Program, National Institutes of Health
Classification: Likely benign for Arrhythmogenic right ventricular cardiomyopathy. Last evaluated: 2023-09-17. Review status: criteria provided, single submitter. Criteria: ACMG Guidelines, 2015. Collection method: clinical testing. Allele origin: germline. Inheritance: Autosomal dominant inheritance. Observed: 1 variant allele, 1 heterozygote.
Comment: This study involves interpretation of variants in research participants for the purpose of population health screening. Participant phenotype was not available at the time of variant classification. Additional details can be found in publication PMID: 35346344, PMCID: PMC8962531

NM_001943.5(DSG2):c.2751G>C (p.Ala917=)

Genes: DSG2 (desmoglein 2; plus strand), DSG2-AS1 (DSG2 antisense RNA 1; minus strand). Cytogenetic location: 18q12.1.
Variant type: single nucleotide variant.
Coding change: c.2751G>C on transcript NM_001943.5 (MANE Select); coding-DNA position 2751, G replaced by C.
Protein change: p.Ala917=; no amino-acid change (alanine 917 retained).
Molecular consequence: synonymous variant.
Genome position (GRCh38, 1-based): chr18:31,546,137, G>C. VCF-style: chr18-31546137-G-C. GRCh37 (hg19) VCF-style: chr18-29126100-G-C.
Identifiers: ClinVar variation 3073364 (VCV003073364.2), dbSNP rs763063602, ClinGen allele CA503766322.
Genomic context (GRCh38, chr18:31,546,137, plus strand): 5'-CAATGCAGAGAAAGTAACTCAGGAAATAGTCACTGAAAGATCTGTGTCTTCTAGGCAGGC[G>C]CAAAAGGTAGCTACACCTCTTCCTGACCCAATGGCTTCTAGAAATGTGATAGCAACAGAA-3'
Protein context (NP_001934.2, residues 907-927): VTERSVSSRQ[Ala917=]QKVATPLPDP